The following is an entry in ClinVar:

NM_002454.3(MTRR):c.1120C>T (p.Leu374Phe)

Gene: MTRR (5-methyltetrahydrofolate-homocysteine methyltransferase reductase; plus strand). Cytogenetic location: 5p15.31.
Variant type: single nucleotide variant.
Coding change: c.1120C>T on transcript NM_002454.3 (MANE Select); coding-DNA position 1120, C replaced by T.
Protein change: p.Leu374Phe; replaces leucine 374 with phenylalanine.
Molecular consequence: missense variant. On other transcripts: non-coding transcript variant (12).
Genome position (GRCh38, 1-based): chr5:7,886,677, C>T. VCF-style: chr5-7886677-C-T. GRCh37 (hg19) VCF-style: chr5-7886790-C-T.
Other names: c.1120C>T, p.Leu374Phe (NM_001364440.2, NM_001364441.2, NM_001364442.2 and 1 more transcripts); short protein forms L374F.
Identifiers: ClinVar variation 969522 (VCV000969522.10), dbSNP rs372106115, ClinGen allele CA3195823.

ClinVar aggregate classification (germline): Uncertain significance. Review status: criteria provided, multiple submitters, no conflicts (2 of 4 stars). 4 submissions from 4 submitters: Uncertain significance (3). 1 of the submissions does not count toward it. Last evaluated 2025-12-17.

Conditions:
Methylcobalamin deficiency type cblE (HMAE). Also called: VITAMIN B12-RESPONSIVE HOMOCYSTINURIA, cblE TYPE; HOMOCYSTINURIA-MEGALOBLASTIC ANEMIA, cblE COMPLEMENTATION TYPE; HOMOCYSTINURIA-MEGALOBLASTIC ANEMIA, cblE TYPE. Identifiers: Orphanet 2169, Orphanet 622, MedGen C1856057, MONDO:0009354, OMIM 236270.
Inborn genetic diseases. Identifiers: MedGen C0950123, MeSH D030342.

Allele frequency attached by ClinVar (database versions not stated): ExAC 0.00003; gnomAD exomes 0.00004 and 0.00015; TOPMed 0.00006; gnomAD 0.00007; ESP Exome Variant Server 0.00008.
gnomAD v4.1: 225 of 1,613,598 alleles (0.014%); highest among the groups gnomAD compares: Non-Finnish European, 0.018%; no homozygotes.

Submissions (4):

Victorian Clinical Genetics Services, Murdoch Childrens Research Institute
Classification: Uncertain significance for Methylcobalamin deficiency type cblE. Last evaluated: 2025-12-17. Review status: criteria provided, single submitter. Criteria: ACMG Guidelines, 2015. Collection method: clinical testing. Allele origin: germline. Affected: yes.
Comment: This variant is classified as VUS-3A. Evidence in support of pathogenic classification: Variant is present in gnomAD <0.01 for a recessive condition (v4: 225 heterozygote(s), 0 homozygote(s)); Heterozygous variant detected in trans with a second PATHOGENIC heterozygous variant (NM_002454.3(MTRR):c.1674dup; p.(Arg559*)) in a recessive disease. Additional information: Variant is predicted to result in a missense amino acid change from Leu to Phe; This variant is heterozygous; This gene is associated with autosomal recessive disease; Previous evidence of pathogenicity for this variant is inconclusive. This variant has been classified as a variant of uncertain significance by clinical laboratories in ClinVar; No published evidence of segregation with disease has been identified for this variant; No published functional evidence has been identified for this variant; No comparable missense variants have previous evidence for pathogenicity; Variant is located in the annotated FAD binding domain (DECIPHER); Missense variant with inconclusive in silico prediction and/or uninformative conservation; Loss of function is a known mechanism of disease in this gene and is associated with autosomal recessive homocystinuria-megaloblastic anaemia, cbl E type (MIM#236270); Variants in this gene are known to have variable expressivity (PMID: 25526710).

Ambry Genetics
Classification: Uncertain significance for Inborn genetic diseases. Last evaluated: 2022-03-25. Review status: criteria provided, single submitter. Criteria: Ambry Variant Classification Scheme 2023. Collection method: clinical testing. Allele origin: germline.

Labcorp Genetics (formerly Invitae), Labcorp
Classification: Uncertain significance for Methylcobalamin deficiency type cblE. Last evaluated: 2021-11-30. Review status: criteria provided, single submitter. Criteria: Invitae Variant Classification Sherloc (09022015). Collection method: clinical testing. Allele origin: germline.
Comment: This sequence change replaces leucine, which is neutral and non-polar, with phenylalanine, which is neutral and non-polar, at codon 374 of the MTRR protein (p.Leu374Phe). This variant is present in population databases (rs372106115, gnomAD 0.007%). This variant has not been reported in the literature in individuals affected with MTRR-related conditions. ClinVar contains an entry for this variant (Variation ID: 969522). Algorithms developed to predict the effect of missense changes on protein structure and function are either unavailable or do not agree on the potential impact of this missense change (SIFT: "Deleterious"; PolyPhen-2: "Possibly Damaging"; Align-GVGD: "Class C0"). In summary, the available evidence is currently insufficient to determine the role of this variant in disease. Therefore, it has been classified as a Variant of Uncertain Significance.

Natera, Inc.
Classification: Uncertain significance for CblE complementation type homocystinuria-megaloblastic anemia due to defect in cobalamin metabolism. Last evaluated: 2020-04-22. Review status: no assertion criteria provided. Collection method: clinical testing. Allele origin: germline. Not counted in ClinVar's aggregate classification.

Literature cited by the submitters: PubMed 25526710 (cited by Victorian Clinical Genetics Services, Murdoch Childrens Research Institute).